The following is an entry in ClinVar:

NM_000138.5(FBN1):c.1540C>G (p.Gln514Glu)

Gene: FBN1 (fibrillin 1; minus strand). Cytogenetic location: 15q21.1.
Variant type: single nucleotide variant.
Coding change: c.1540C>G on transcript NM_000138.5 (MANE Select); coding-DNA position 1540, C replaced by G.
Protein change: p.Gln514Glu; replaces glutamine 514 with glutamic acid.
Molecular consequence: missense variant.
Genome position (GRCh38, 1-based): chr15:48,513,597, G>C on the plus strand (C>G on the coding strand, the complement: FBN1 is on the minus strand). VCF-style: chr15-48513597-G-C. GRCh37 (hg19) VCF-style: chr15-48805794-G-C.
Other names: c.1540C>G, p.Gln514Glu (NM_001406716.1); short protein forms Q514E.
Identifiers: ClinVar variation 1804651 (VCV001804651.2), dbSNP rs2141327746, ClinGen allele CA392342332.

ClinVar aggregate classification (germline): Uncertain significance (1 of 4 stars; one submission).

Submission:

Women's Health and Genetics/Laboratory Corporation of America, LabCorp
Classification: Uncertain significance. Last evaluated: 2024-11-18. Review status: criteria provided, single submitter. Criteria: LabCorp Variant Classification Summary - May 2015. Collection method: clinical testing. Allele origin: germline.
Comment: Variant summary: FBN1 c.1540C>G (p.Gln514Glu) results in a conservative amino acid change located in the EGF-like domain (IPR000742) of the encoded protein sequence. Four of five in-silico tools predict a benign effect of the variant on protein function. The variant was absent in 251296 control chromosomes. The available data on variant occurrences in the general population are insufficient to allow any conclusion about variant significance. c.1540C>G has been reported in the literature in unspecified individual(s) affected with familial stroke (Chang_2022). These report(s) do not provide unequivocal conclusions about association of the variant with Marfan Syndrome. To our knowledge, no experimental evidence demonstrating an impact on protein function has been reported. The following publication have been ascertained in the context of this evaluation (PMID: 36580209). ClinVar contains an entry for this variant (Variation ID: 1804651). Based on the evidence outlined above, the variant was classified as uncertain significance.

Literature cited by the submitters: PubMed 36580209.